The following is an entry in ClinVar:

ClinVar aggregate classification (germline): Uncertain significance (1 of 4 stars; one submission).

Allele frequency attached by ClinVar (database versions not stated): gnomAD exomes below 0.00001.
gnomAD v4.1: 1 of 1,211,436 alleles (0.000083%); highest among the groups gnomAD compares: Non-Finnish European, 0.00011%; no homozygotes.

Submission:

GeneDx
Classification: Uncertain significance. Last evaluated: 2021-12-28. Review status: criteria provided, single submitter. Criteria: GeneDx Variant Classification Process June 2021. Collection method: clinical testing. Allele origin: germline. Affected: yes.
Comment: Not observed at significant frequency in large population cohorts (gnomAD); In silico analysis supports that this missense variant has a deleterious effect on protein structure/function; Has not been previously published as pathogenic or benign to our knowledge

NM_001039591.3(USP9X):c.2833G>A (p.Asp945Asn)

Gene: USP9X (ubiquitin specific peptidase 9 X-linked; plus strand). Cytogenetic location: Xp11.4.
Variant type: single nucleotide variant.
Coding change: c.2833G>A on transcript NM_001039591.3 (MANE Select); coding-DNA position 2833, G replaced by A.
Protein change: p.Asp945Asn; replaces aspartic acid 945 with asparagine.
Molecular consequence: missense variant.
Genome position (GRCh38, 1-based): chrX:41,170,191, G>A. VCF-style: chrX-41170191-G-A. GRCh37 (hg19) VCF-style: chrX-41029444-G-A.
Other names: c.2833G>A, p.Asp945Asn (NM_001039590.3); short protein forms D945N.
Identifiers: ClinVar variation 1693453 (VCV001693453.2), dbSNP rs2147123152, ClinGen allele CA412758554.